The following is an entry in ClinVar:

NM_001286445.3(RIPOR2):c.2793A>G (p.Arg931=)

Gene: RIPOR2 (RHO family interacting cell polarization regulator 2; minus strand). Cytogenetic location: 6p22.3.
Variant type: single nucleotide variant.
Coding change: c.2793A>G on transcript NM_001286445.3 (MANE Select); coding-DNA position 2793, A replaced by G.
Protein change: p.Arg931=; no amino-acid change (arginine 931 retained).
Molecular consequence: synonymous variant.
Genome position (GRCh38, 1-based): chr6:24,825,301, T>C on the plus strand (A>G on the coding strand, the complement: RIPOR2 is on the minus strand). VCF-style: chr6-24825301-T-C. GRCh37 (hg19) VCF-style: chr6-24825529-T-C.
Other names: c.2706A>G, p.Arg902= (NM_001346031.2, NM_001346032.2); c.2856A>G, p.Arg952= (NM_014722.5).
Identifiers: ClinVar variation 2656289 (VCV002656289.28), dbSNP rs767834078, ClinGen allele CA3659072.
Genomic context (GRCh38, chr6:24,825,301, plus strand): 5'-CTGATTTTTGGAGGCTGCTGCCAAGTAAAGCGTCACAGCCTCACTAACTTCGTTGTCCTC[T>C]CTGGTTAATAGCAGAGCCAGAGTCCTGAGTACTTCCTGCTGGGCCAGGAGGTTGCTGGGA-3'
Protein context (NP_001273374.1, residues 921-941): VLRTLALLLT[Arg931=]EDNEVSEAVT

ClinVar aggregate classification (germline): Likely benign. Review status: criteria provided, multiple submitters, no conflicts (2 of 4 stars). 3 submissions from 3 submitters: Likely benign (3). Last evaluated 2025-04-17.

Allele frequency attached by ClinVar (database versions not stated): gnomAD 0.00004; TOPMed 0.00006; gnomAD exomes 0.00008; ExAC 0.00023.
gnomAD v4.1: 119 of 1,551,830 alleles (0.0077%); highest among the groups gnomAD compares: South Asian, 0.057%; 1 homozygote.

Submissions (3):

Labcorp Genetics (formerly Invitae), Labcorp
Classification: Likely benign. Last evaluated: 2025-04-17. Review status: criteria provided, single submitter. Criteria: Invitae Variant Classification Sherloc (09022015). Collection method: clinical testing. Allele origin: germline.

Blueprint Genetics
Classification: Likely benign. Last evaluated: 2024-09-05. Review status: criteria provided, single submitter. Criteria: ACMG Guidelines, 2015. Collection method: clinical testing. Allele origin: germline.

CeGaT Center for Human Genetics Tuebingen
Classification: Likely benign. Last evaluated: 2023-06-01. Review status: criteria provided, single submitter. Criteria: CeGaT Center For Human Genetics Tuebingen Variant Classification Criteria Version 2. Collection method: clinical testing. Allele origin: germline. Affected: yes. Observed: 1 variant allele.
Comment: RIPOR2: BP4, BP7